The following is an entry in ClinVar:

ClinVar aggregate classification (germline): Pathogenic/Likely pathogenic. Review status: criteria provided, multiple submitters, no conflicts (2 of 4 stars). 2 submissions from 2 submitters: Pathogenic (1); Likely pathogenic (1). Last evaluated 2025-05-27.

Conditions:
ABCA4-related disorder. Also called: ABCA4-related condition; ABCA4-related disorders. Identifiers: MedGen CN239167.

Submissions (2):

Labcorp Genetics (formerly Invitae), Labcorp
Classification: Pathogenic. Last evaluated: 2025-05-27. Review status: criteria provided, single submitter. Criteria: Invitae Variant Classification Sherloc (09022015). Collection method: clinical testing. Allele origin: germline.
Comment: This sequence change creates a premature translational stop signal (p.Val1706*) in the ABCA4 gene. It is expected to result in an absent or disrupted protein product. Loss-of-function variants in ABCA4 are known to be pathogenic (PMID: 10958761, 24938718, 25312043, 26780318). This variant is not present in population databases (gnomAD no frequency). This variant has not been reported in the literature in individuals affected with ABCA4-related conditions. Algorithms developed to predict the effect of sequence changes on RNA splicing suggest that this variant may create or strengthen a splice site. For these reasons, this variant has been classified as Pathogenic.

Blueprint Genetics
Classification: Likely pathogenic for ABCA4-related disorders. Last evaluated: 2021-11-10. Review status: criteria provided, single submitter. Criteria: ACMG Guidelines, 2015. Collection method: clinical testing. Allele origin: germline. Affected: yes. Observed: 2 variant alleles.

Literature cited by the submitters: PubMed 10958761 (cited by Labcorp Genetics (formerly Invitae), Labcorp); PubMed 24938718 (cited by Labcorp Genetics (formerly Invitae), Labcorp); PubMed 25312043 (cited by Labcorp Genetics (formerly Invitae), Labcorp); PubMed 26780318 (cited by Labcorp Genetics (formerly Invitae), Labcorp).

NM_000350.3(ABCA4):c.5116del (p.Arg1705_Val1706insTer)

Gene: ABCA4 (ATP binding cassette subfamily A member 4; minus strand). Cytogenetic location: 1p22.1.
Variant type: Deletion.
Coding change: c.5116del on transcript NM_000350.3 (MANE Select); coding-DNA position 5116, one base deleted (G; older notation c.5116delG).
Protein change: p.Arg1705_Val1706insTer.
Molecular consequence: nonsense.
Genome position (GRCh38, 1-based): chr1:94,019,662, C deleted on the plus strand (G on the coding strand, the reverse complement: ABCA4 is on the minus strand); the first of 3 consecutive C bases (chr1:94,019,662-94,019,664); deleting any one gives the same sequence. VCF-style (leftmost placement, unchanged base first): chr1-94019661-AC-A. GRCh37 (hg19) VCF-style: chr1-94485217-AC-A.
Other names: c.4894del, p.Arg1631_Val1632insTer (NM_001425324.1).
Identifiers: ClinVar variation 4805003 (VCV004805003.2).
Genomic context (GRCh38, chr1:94,019,661, plus strand): 5'-GTCACCCAGTAGGTGGTGGGGCTCACTCCACTGATAAACTGGAGGTGCTTGGATTTGTTC[AC>A]CCGCTCCTGGATCAAATAAAGGACAAAGCTGGCTGGGACGAAGGACATGGAGAAAATCAC-3'